The following is an entry in ClinVar:

ClinVar aggregate classification (germline): Uncertain significance (1 of 4 stars; one submission).

Conditions:
Familial cancer of breast. Also called: BREAST CANCER, FAMILIAL; Hereditary breast cancer; hereditary breast carcinoma. Identifiers: Orphanet 227535, MedGen C0346153, MONDO:0016419, OMIM 114480. Disease mechanism: loss of function.

Submission:

Labcorp Genetics (formerly Invitae), Labcorp
Classification: Uncertain significance for Familial cancer of breast. Last evaluated: 2025-05-29. Review status: criteria provided, single submitter. Criteria: Invitae Variant Classification Sherloc (09022015). Collection method: clinical testing. Allele origin: germline.
Comment: This sequence change replaces alanine, which is neutral and non-polar, with proline, which is neutral and non-polar, at codon 746 of the PALB2 protein (p.Ala746Pro). This variant is not present in population databases (gnomAD no frequency). This variant has not been reported in the literature in individuals affected with PALB2-related conditions. Invitae Evidence Modeling of protein sequence and biophysical properties (such as structural, functional, and spatial information, amino acid conservation, physicochemical variation, residue mobility, and thermodynamic stability) indicates that this missense variant is not expected to disrupt PALB2 protein function with a negative predictive value of 80%. In summary, the available evidence is currently insufficient to determine the role of this variant in disease. Therefore, it has been classified as a Variant of Uncertain Significance.

NM_024675.4(PALB2):c.2236G>C (p.Ala746Pro)

Gene: PALB2 (partner and localizer of BRCA2; minus strand). Cytogenetic location: 16p12.2.
Variant type: single nucleotide variant.
Coding change: c.2236G>C on transcript NM_024675.4 (MANE Select); coding-DNA position 2236, G replaced by C.
Protein change: p.Ala746Pro; replaces alanine 746 with proline.
Molecular consequence: missense variant. On other transcripts: intron variant (1).
Genome position (GRCh38, 1-based): chr16:23,629,918, C>G on the plus strand (G>C on the coding strand, the complement: PALB2 is on the minus strand). VCF-style: chr16-23629918-C-G. GRCh37 (hg19) VCF-style: chr16-23641239-C-G.
Other names: c.2176G>C, p.Ala726Pro (NM_001407296.1); c.2236G>C, p.Ala746Pro (NM_001407297.1, NM_001407298.1, NM_001407299.1 and 3 more transcripts); c.1351G>C, p.Ala451Pro (NM_001407304.1, NM_001407305.1, NM_001407306.1 and 5 more transcripts); c.448G>C, p.Ala150Pro (NM_001407312.1, NM_001407313.1); c.49-643G>C (NM_001407314.1); short protein forms A150P, A451P, A726P, A746P.
Identifiers: ClinVar variation 4811195 (VCV004811195.1).